The following is an entry in ClinVar:

NM_031885.5(BBS2):c.1291C>T (p.His431Tyr)

Gene: BBS2 (Bardet-Biedl syndrome 2; minus strand). Cytogenetic location: 16q13.
Variant type: single nucleotide variant.
Coding change: c.1291C>T on transcript NM_031885.5 (MANE Select); coding-DNA position 1291, C replaced by T.
Protein change: p.His431Tyr; replaces histidine 431 with tyrosine.
Molecular consequence: missense variant. On other transcripts: non-coding transcript variant (2).
Genome position (GRCh38, 1-based): chr16:56,500,960, G>A on the plus strand (C>T on the coding strand, the complement: BBS2 is on the minus strand). VCF-style: chr16-56500960-G-A. GRCh37 (hg19) VCF-style: chr16-56534872-G-A.
Other names: c.1291C>T, p.His431Tyr (NM_001377456.1); short protein forms H431Y.
Identifiers: ClinVar variation 2646546 (VCV002646546.24), dbSNP rs1964252901, ClinGen allele CA395979640.
Genomic context (GRCh38, chr16:56,500,960, plus strand): 5'-CATCTTTGGGAGGCACAATAGGGATGCAGATGGAACTGGAGAGGTTGTGAATGCTGGGAT[G>A]TACCACGTGGCTTTCACCTGTAAAAATTCCTTCTGCAAAAATCAATACTGCTCGGATGAT-3'
Protein context (NP_114091.4, residues 421-441): GIFTGESHVV[His431Tyr]PSIHNLSSSI

ClinVar aggregate classification (germline): Uncertain significance (1 of 4 stars; one submission).

Allele frequency attached by ClinVar (database versions not stated): gnomAD 0.00001.
gnomAD v4.1: 1 of 1,614,028 alleles (0.000062%); highest among the groups gnomAD compares: African/African-American, 0.0013%; no homozygotes.

Submission:

CeGaT Center for Human Genetics Tuebingen
Classification: Uncertain significance. Last evaluated: 2023-07-01. Review status: criteria provided, single submitter. Criteria: CeGaT Center For Human Genetics Tuebingen Variant Classification Criteria Version 2. Collection method: clinical testing. Allele origin: germline. Affected: yes. Observed: 1 variant allele.
Comment: BBS2: PM2